The following is an entry in ClinVar:

ClinVar aggregate classification (germline): Uncertain significance (1 of 4 stars; one submission).

Allele frequency attached by ClinVar (database versions not stated): gnomAD exomes below 0.00001.
gnomAD v4.1: 3 of 1,594,128 alleles (0.00019%); highest among the groups gnomAD compares: Admixed American, 0.0034%; no homozygotes.

Submission:

Labcorp Genetics (formerly Invitae), Labcorp
Classification: Uncertain significance. Last evaluated: 2023-08-07. Review status: criteria provided, single submitter. Criteria: Invitae Variant Classification Sherloc (09022015). Collection method: clinical testing. Allele origin: germline.
Comment: This sequence change replaces asparagine, which is neutral and polar, with isoleucine, which is neutral and non-polar, at codon 636 of the CARMIL2 protein (p.Asn636Ile). This variant is present in population databases (no rsID available, gnomAD 0.003%). This variant has not been reported in the literature in individuals affected with CARMIL2-related conditions. Advanced modeling of protein sequence and biophysical properties (such as structural, functional, and spatial information, amino acid conservation, physicochemical variation, residue mobility, and thermodynamic stability) performed at Invitae indicates that this missense variant is expected to disrupt CARMIL2 protein function. In summary, the available evidence is currently insufficient to determine the role of this variant in disease. Therefore, it has been classified as a Variant of Uncertain Significance.

NM_001013838.3(CARMIL2):c.1907A>T (p.Asn636Ile)

Gene: CARMIL2 (capping protein regulator and myosin 1 linker 2; plus strand). Cytogenetic location: 16q22.1.
Variant type: single nucleotide variant.
Coding change: c.1907A>T on transcript NM_001013838.3 (MANE Select); coding-DNA position 1907, A replaced by T.
Protein change: p.Asn636Ile; replaces asparagine 636 with isoleucine.
Molecular consequence: missense variant.
Genome position (GRCh38, 1-based): chr16:67,649,607, A>T. VCF-style: chr16-67649607-A-T. GRCh37 (hg19) VCF-style: chr16-67683510-A-T.
Other names: c.1799A>T, p.Asn600Ile (NM_001317026.3); short protein forms N600I, N636I.
Identifiers: ClinVar variation 2964588 (VCV002964588.3), dbSNP rs1333689505, ClinGen allele CA396338012.